The following is an entry in ClinVar:

ClinVar aggregate classification (germline): Conflicting classifications of pathogenicity. Review status: criteria provided, conflicting classifications (1 of 4 stars). 3 submissions from 3 submitters: Uncertain significance (1); Likely benign (2). Last evaluated 2026-10-01.

Conditions:
Colorectal cancer, susceptibility to, 12 (CRCS12). Also called: COLORECTAL CANCER, SUSCEPTIBILITY TO, ON CHROMOSOME 12q24. Identifiers: Orphanet 220460, MedGen C3554460, MONDO:0014038, OMIM 615083.

Allele frequency attached by ClinVar (database versions not stated): gnomAD exomes below 0.00001.
gnomAD v4.1: 2 of 1,613,852 alleles (0.00012%); highest among the groups gnomAD compares: Non-Finnish European, 0.00017%; no homozygotes.

Submissions (3):

St. Jude Molecular Pathology, St. Jude Children's Research Hospital
Classification: Uncertain significance for Colorectal cancer, susceptibility to, 12. Last evaluated: 2026-10-01. Review status: criteria provided, single submitter. Criteria: St. Jude Assertion Criteria 2020. Collection method: clinical testing. Allele origin: germline.
Comment: The POLE c.3582+9G>A intronic cha nge results in a G to A substitution at the +9 position of intron 29 of the POLE gene. Algorithms that predict the impact of sequence changes on splicing indicate that this change may impact splicing. This variant has a maximum subpopulation frequency of 0.0009% in gnomAD v2.1.1. To our knowledge, this variant has not been reported in the literature in individuals with POLE-related disease. In summary, the evidence currently available is insufficient to determine the clinical significance of this variant. It has therefore been classified as of uncertain significance.

Labcorp Genetics (formerly Invitae), Labcorp
Classification: Likely benign. Last evaluated: 2025-12-03. Review status: criteria provided, single submitter. Criteria: Invitae Variant Classification Sherloc (09022015). Collection method: clinical testing. Allele origin: germline.

GeneDx
Classification: Likely benign. Last evaluated: 2016-11-29. Review status: criteria provided, single submitter. Criteria: GeneDx Variant Classification (06012015). Collection method: clinical testing. Allele origin: germline. Affected: yes.
Comment: This variant is considered likely benign or benign based on one or more of the following criteria: it is a conservative change, it occurs at a poorly conserved position in the protein, it is predicted to be benign by multiple in silico algorithms, and/or has population frequency not consistent with disease.

NM_006231.4(POLE):c.3582+9G>A

Gene: POLE (DNA polymerase epsilon, catalytic subunit; minus strand). Cytogenetic location: 12q24.33.
Variant type: single nucleotide variant.
Coding change: c.3582+9G>A on transcript NM_006231.4 (MANE Select); 9 bases into the intron after coding-DNA position 3582, G replaced by A.
Molecular consequence: intron variant.
Genome position (GRCh38, 1-based): chr12:132,657,127, C>T on the plus strand (G>A on the coding strand, the complement: POLE is on the minus strand). VCF-style: chr12-132657127-C-T. GRCh37 (hg19) VCF-style: chr12-133233713-C-T.
Identifiers: ClinVar variation 391365 (VCV000391365.12), dbSNP rs1057524057, ClinGen allele CA16606523.
Genomic context (GRCh38, chr12:132,657,127, plus strand): 5'-CGCAAGAAGCCTGGAGTCCTGTGTGTCACAAGGATCCCGCCCAGCCCAGCCTTGGGGCCC[C>T]ACCGTCACCTGTCTCCTGCCCTCCAGGGTGAAGAGCTCACTGATCTTCTTCTGCTTGTAG-3'